The following is an entry in ClinVar:

ClinVar aggregate classification (germline): Uncertain significance (1 of 4 stars; one submission).

Allele frequency attached by ClinVar (database versions not stated): gnomAD exomes below 0.00001.

Submission:

Labcorp Genetics (formerly Invitae), Labcorp
Classification: Uncertain significance. Last evaluated: 2020-12-28. Review status: criteria provided, single submitter. Criteria: Invitae Variant Classification Sherloc (09022015). Collection method: clinical testing. Allele origin: germline.
Comment: In summary, the available evidence is currently insufficient to determine the role of this variant in disease. Therefore, it has been classified as a Variant of Uncertain Significance. Algorithms developed to predict the effect of missense changes on protein structure and function are either unavailable or do not agree on the potential impact of this missense change (SIFT: "Tolerated"; PolyPhen-2: "Probably Damaging"; Align-GVGD: "Class C0"). This variant has not been reported in the literature in individuals with AP3D1-related conditions. This variant is not present in population databases (ExAC no frequency). This sequence change replaces asparagine with serine at codon 679 of the AP3D1 protein (p.Asn679Ser). The asparagine residue is highly conserved and there is a small physicochemical difference between asparagine and serine.

NM_001261826.3(AP3D1):c.2036A>G (p.Asn679Ser)

Gene: AP3D1 (adaptor related protein complex 3 subunit delta 1; minus strand). Cytogenetic location: 19p13.3.
Variant type: single nucleotide variant.
Coding change: c.2036A>G on transcript NM_001261826.3 (MANE Select); coding-DNA position 2036, A replaced by G.
Protein change: p.Asn679Ser; replaces asparagine 679 with serine.
Molecular consequence: missense variant.
Genome position (GRCh38, 1-based): chr19:2,116,244, T>C on the plus strand (A>G on the coding strand, the complement: AP3D1 is on the minus strand). VCF-style: chr19-2116244-T-C. GRCh37 (hg19) VCF-style: chr19-2116243-T-C.
Other names: c.2036A>G, p.Asn679Ser (NM_001374799.1, NM_003938.8); short protein forms N679S.
Identifiers: ClinVar variation 1466375 (VCV001466375.8), dbSNP rs1407332674, ClinGen allele CA403215785.